The following is an entry in ClinVar:

NM_005138.3(SCO2):c.290C>T (p.Ala97Val)

Genes: NCAPH2 (non-SMC condensin II complex subunit H2; plus strand), SCO2 (synthesis of cytochrome C oxidase 2; minus strand). Cytogenetic location: 22q13.33.
Variant type: single nucleotide variant.
Coding change: c.290C>T on transcript NM_005138.3 (MANE Select); coding-DNA position 290, C replaced by T.
Protein change: p.Ala97Val; replaces alanine 97 with valine.
Molecular consequence: missense variant. On other transcripts: 3 prime UTR variant (2).
Genome position (GRCh38, 1-based): chr22:50,524,122, G>A on the plus strand (C>T on the coding strand, the complement: SCO2 is on the minus strand). VCF-style: chr22-50524122-G-A. GRCh37 (hg19) VCF-style: chr22-50962551-G-A.
Other names: c.*747G>A (NM_001185011.2, NM_152299.4); c.290C>T, p.Ala97Val (NM_001169109.2, NM_001169110.1, NM_001169111.2); short protein forms A97V.
Identifiers: ClinVar variation 1345540 (VCV001345540.5), dbSNP rs748093648, ClinGen allele CA10321241.
Genomic context (GRCh38, chr22:50,524,122, plus strand): 5'-GCCTTGCAGCGAGCCCGGCCTCTGTGATCCAGCAGGTGGAAGTCGCCCTGGCCCACAGCT[G>A]CCTGGCGCAGGGCTTCTGTTCGCTTTTGCTGCTGCAGCCTCTCCTTCTCAGCCCTCAGGG-3'
Protein context (NP_005129.2, residues 87-107): QQKRTEALRQ[Ala97Val]AVGQGDFHLL

ClinVar aggregate classification (germline): Uncertain significance (1 of 4 stars; one submission).

Allele frequency attached by ClinVar (database versions not stated): gnomAD 0.00001; TOPMed 0.00001; ExAC 0.00003; gnomAD exomes 0.00003; 1000 Genomes Project 30x 0.00016.
gnomAD v4.1: 9 of 1,612,710 alleles (0.00056%); highest among the groups gnomAD compares: East Asian, 0.018%; no homozygotes.

Submission:

Labcorp Genetics (formerly Invitae), Labcorp
Classification: Uncertain significance. Last evaluated: 2022-09-27. Review status: criteria provided, single submitter. Criteria: Invitae Variant Classification Sherloc (09022015). Collection method: clinical testing. Allele origin: germline.
Comment: This sequence change replaces alanine, which is neutral and non-polar, with valine, which is neutral and non-polar, at codon 97 of the SCO2 protein (p.Ala97Val). This variant is present in population databases (rs748093648, gnomAD 0.04%). This missense change has been observed in individual(s) with myopia (PMID: 27052445). ClinVar contains an entry for this variant (Variation ID: 1345540). Advanced modeling of protein sequence and biophysical properties (such as structural, functional, and spatial information, amino acid conservation, physicochemical variation, residue mobility, and thermodynamic stability) performed at Invitae indicates that this missense variant is not expected to disrupt SCO2 protein function. Algorithms developed to predict the effect of sequence changes on RNA splicing suggest that this variant may create or strengthen a splice site. In summary, the available evidence is currently insufficient to determine the role of this variant in disease. Therefore, it has been classified as a Variant of Uncertain Significance.

Literature cited by the submitters: PubMed 27052445.